The following is an entry in ClinVar:

ClinVar aggregate classification (germline): Uncertain significance. Review status: criteria provided, multiple submitters, no conflicts (2 of 4 stars). 2 submissions from 2 submitters: Uncertain significance (2). Last evaluated 2024-02-22.

Conditions:
Inborn genetic diseases. Identifiers: MedGen C0950123, MeSH D030342.
Early-infantile DEE. Also called: Ohtahara syndrome; Early infantile epileptic encephalopathy with suppression bursts; Early infantile epileptic encephalopathy. Identifiers: Orphanet 1934, MedGen C0393706, MONDO:0800491.

Allele frequency attached by ClinVar (database versions not stated): gnomAD 0.00001; TOPMed 0.00001.
gnomAD v4.1: 6 of 1,613,344 alleles (0.00037%); highest among the groups gnomAD compares: Non-Finnish European, 0.00034%; no homozygotes.

Submissions (2):

Labcorp Genetics (formerly Invitae), Labcorp
Classification: Uncertain significance for Early-infantile DEE. Last evaluated: 2024-02-22. Review status: criteria provided, single submitter. Criteria: Invitae Variant Classification Sherloc (09022015). Collection method: clinical testing. Allele origin: germline.
Comment: This sequence change replaces arginine, which is basic and polar, with tryptophan, which is neutral and slightly polar, at codon 1960 of the SCN8A protein (p.Arg1960Trp). This variant is not present in population databases (gnomAD no frequency). This variant has not been reported in the literature in individuals affected with SCN8A-related conditions. ClinVar contains an entry for this variant (Variation ID: 1042696). Advanced modeling of protein sequence and biophysical properties (such as structural, functional, and spatial information, amino acid conservation, physicochemical variation, residue mobility, and thermodynamic stability) performed at Invitae indicates that this missense variant is not expected to disrupt SCN8A protein function with a negative predictive value of 95%. In summary, the available evidence is currently insufficient to determine the role of this variant in disease. Therefore, it has been classified as a Variant of Uncertain Significance.

Ambry Genetics
Classification: Uncertain significance for Inborn genetic diseases. Last evaluated: 2024-02-05. Review status: criteria provided, single submitter. Criteria: Ambry Variant Classification Scheme 2023. Collection method: clinical testing. Allele origin: germline.

NM_001330260.2(SCN8A):c.5878C>T (p.Arg1960Trp)

Gene: SCN8A (sodium voltage-gated channel alpha subunit 8; plus strand). Cytogenetic location: 12q13.13.
Variant type: single nucleotide variant.
Coding change: c.5878C>T on transcript NM_001330260.2 (MANE Select); coding-DNA position 5878, C replaced by T.
Protein change: p.Arg1960Trp; replaces arginine 1960 with tryptophan.
Molecular consequence: missense variant.
Genome position (GRCh38, 1-based): chr12:51,807,364, C>T. VCF-style: chr12-51807364-C-T. GRCh37 (hg19) VCF-style: chr12-52201148-C-T.
Other names: c.5755C>T, p.Arg1919Trp (NM_001177984.3, NM_001369788.1); c.5878C>T, p.Arg1960Trp (NM_014191.4); c.5878C>T (NM_014191.2); short protein forms R1960W, R1919W.
Identifiers: ClinVar variation 1042696 (VCV001042696.10), dbSNP rs1021136260, ClinGen allele CA236327953.